The following is an entry in ClinVar:

NM_000233.4(LHCGR):c.1805C>T (p.Thr602Ile)

Genes: LHCGR (luteinizing hormone/choriogonadotropin receptor; minus strand), STON1-GTF2A1L (STON1-GTF2A1L readthrough; plus strand). Cytogenetic location: 2p16.3.
Variant type: single nucleotide variant.
Coding change: c.1805C>T on transcript NM_000233.4 (MANE Select); coding-DNA position 1805, C replaced by T.
Protein change: p.Thr602Ile; replaces threonine 602 with isoleucine.
Molecular consequence: missense variant. On other transcripts: intron variant (1).
Genome position (GRCh38, 1-based): chr2:48,687,992, G>A on the plus strand (C>T on the coding strand, the complement: LHCGR is on the minus strand). VCF-style: chr2-48687992-G-A. GRCh37 (hg19) VCF-style: chr2-48915131-G-A.
Other names: c.3441+16312G>A (NM_001198593.2); short protein forms T602I.
Identifiers: ClinVar variation 2017845 (VCV002017845.4), dbSNP rs756089036, ClinGen allele CA1652985.

ClinVar aggregate classification (germline): Uncertain significance (1 of 4 stars; one submission).

Allele frequency attached by ClinVar (database versions not stated): ExAC 0.00001.
gnomAD v4.1: 2 of 1,614,138 alleles (0.00012%); highest among the groups gnomAD compares: Non-Finnish European, 0.00017%; no homozygotes.

Submission:

Labcorp Genetics (formerly Invitae), Labcorp
Classification: Uncertain significance. Last evaluated: 2024-08-19. Review status: criteria provided, single submitter. Criteria: Invitae Variant Classification Sherloc (09022015). Collection method: clinical testing. Allele origin: germline.
Comment: This sequence change replaces threonine, which is neutral and polar, with isoleucine, which is neutral and non-polar, at codon 602 of the LHCGR protein (p.Thr602Ile). This variant is not present in population databases (gnomAD no frequency). This variant has not been reported in the literature in individuals affected with LHCGR-related conditions. ClinVar contains an entry for this variant (Variation ID: 2017845). Invitae Evidence Modeling of protein sequence and biophysical properties (such as structural, functional, and spatial information, amino acid conservation, physicochemical variation, residue mobility, and thermodynamic stability) indicates that this missense variant is expected to disrupt LHCGR protein function with a positive predictive value of 80%. In summary, the available evidence is currently insufficient to determine the role of this variant in disease. Therefore, it has been classified as a Variant of Uncertain Significance.